The following is an entry in ClinVar:

NM_020435.4(GJC2):c.739C>T (p.Arg247Cys)

Gene: GJC2 (gap junction protein gamma 2; plus strand). Cytogenetic location: 1q42.13.
Variant type: single nucleotide variant.
Coding change: c.739C>T on transcript NM_020435.4 (MANE Select); coding-DNA position 739, C replaced by T.
Protein change: p.Arg247Cys; replaces arginine 247 with cysteine.
Molecular consequence: missense variant.
Genome position (GRCh38, 1-based): chr1:228,158,497, C>T. VCF-style: chr1-228158497-C-T. GRCh37 (hg19) VCF-style: chr1-228346198-C-T.
Other names: short protein forms R247C.
Identifiers: ClinVar variation 391150 (VCV000391150.7), dbSNP rs1057523987, ClinGen allele CA16603503.
Genomic context (GRCh38, chr1:228,158,497, plus strand): 5'-TTCCTGGTGGGCCAGTACCTGCTGTACGGCTTCGAGGTGCGACCGTTCTTTCCCTGCAGC[C>T]GCCAGCCCTGCCCGCACGTGGTGGACTGCTTCGTGTCGCGCCCTACTGAAAAGACGGTCT-3'
Protein context (NP_065168.2, residues 237-257): FEVRPFFPCS[Arg247Cys]QPCPHVVDCF

ClinVar aggregate classification (germline): Uncertain significance. Review status: criteria provided, multiple submitters, no conflicts (2 of 4 stars). 2 submissions from 2 submitters: Uncertain significance (2). Last evaluated 2021-11-15.

Conditions:
Spastic paraplegia. Identifiers: MedGen C0037772, HP:0001258.

Allele frequency attached by ClinVar (database versions not stated): gnomAD exomes 0.00001; gnomAD 0.00001; TOPMed 0.00001.

Submissions (2):

Labcorp Genetics (formerly Invitae), Labcorp
Classification: Uncertain significance for Spastic paraplegia. Last evaluated: 2021-11-15. Review status: criteria provided, single submitter. Criteria: Invitae Variant Classification Sherloc (09022015). Collection method: clinical testing. Allele origin: germline.
Comment: In summary, the available evidence is currently insufficient to determine the role of this variant in disease. Therefore, it has been classified as a Variant of Uncertain Significance. Algorithms developed to predict the effect of missense changes on protein structure and function (SIFT, PolyPhen-2, Align-GVGD) all suggest that this variant is likely to be disruptive. ClinVar contains an entry for this variant (Variation ID: 391150). This variant has not been reported in the literature in individuals affected with GJC2-related conditions. This variant is present in population databases (no rsID available, gnomAD 0.009%). This sequence change replaces arginine, which is basic and polar, with cysteine, which is neutral and slightly polar, at codon 247 of the GJC2 protein (p.Arg247Cys).

GeneDx
Classification: Uncertain significance. Last evaluated: 2016-12-15. Review status: criteria provided, single submitter. Criteria: GeneDx Variant Classification (06012015). Collection method: clinical testing. Allele origin: germline. Affected: yes.
Comment: The R247C variant has not been published as a pathogenic variant, nor has it been reported as a benign variant to our knowledge. The R247C variant is not observed in large population cohorts (Lek et al., 2016; 1000 Genomes Consortium et al., 2015; Exome Variant Server). The R247C variant is a non-conservative amino acid substitution, which is likely to impact secondary protein structure as these residues differ in polarity, charge, size and/or other properties. This substitution occurs at a position that is conserved in mammals, and in silico analysis predicts this variant is probably damaging to the protein structure/function. Based on the currently available information, it is unclear whether this variant is a pathogenic variant or a rare benign variant.